The following is an entry in ClinVar:

NM_001035.3(RYR2):c.8879T>C (p.Ile2960Thr)

Gene: RYR2 (ryanodine receptor 2; plus strand). Cytogenetic location: 1q43.
Variant type: single nucleotide variant.
Coding change: c.8879T>C on transcript NM_001035.3 (MANE Select); coding-DNA position 8879, T replaced by C.
Protein change: p.Ile2960Thr; replaces isoleucine 2960 with threonine.
Molecular consequence: missense variant.
Genome position (GRCh38, 1-based): chr1:237,678,096, T>C. VCF-style: chr1-237678096-T-C. GRCh37 (hg19) VCF-style: chr1-237841396-T-C.
Other names: p.Ile2960Thr; c.8879T>C (NM_001035.2); short protein forms I2960T.
Identifiers: ClinVar variation 1059453 (VCV001059453.12), dbSNP rs759048462, ClinGen allele CA087757.

ClinVar aggregate classification (germline): Conflicting classifications of pathogenicity. Review status: criteria provided, conflicting classifications (1 of 4 stars). 3 submissions from 3 submitters: Uncertain significance (2); Benign (1). Last evaluated 2026-01-05.

Conditions:
Cardiovascular phenotype. Identifiers: MedGen CN230736.
Catecholaminergic polymorphic ventricular tachycardia 1. Also called: VENTRICULAR TACHYCARDIA, CATECHOLAMINERGIC POLYMORPHIC, 1, WITH OR WITHOUT ATRIAL DYSFUNCTION AND/OR DILATED CARDIOMYOPATHY; RYR2-Related Catecholaminergic Polymorphic Ventricular Tachycardia; VENTRICULAR TACHYCARDIA, STRESS-INDUCED POLYMORPHIC 1. Identifiers: Orphanet 3286, MedGen C1631597, MONDO:0011484, OMIM 604772.

Allele frequency attached by ClinVar (database versions not stated): ExAC 0.00001; gnomAD 0.00001; gnomAD exomes 0.00001.
gnomAD v4.1: 4 of 1,596,292 alleles (0.00025%); highest among the groups gnomAD compares: African/African-American, 0.0054%; no homozygotes.

Submissions (3):

Labcorp Genetics (formerly Invitae), Labcorp
Classification: Benign for Catecholaminergic polymorphic ventricular tachycardia 1. Last evaluated: 2026-01-05. Review status: criteria provided, single submitter. Criteria: Invitae Variant Classification Sherloc (09022015). Collection method: clinical testing. Allele origin: germline.

Ambry Genetics
Classification: Uncertain significance for Cardiovascular phenotype. Last evaluated: 2023-11-29. Review status: criteria provided, single submitter. Criteria: Ambry Variant Classification Scheme 2023. Collection method: clinical testing. Allele origin: germline.
Comment: The p.I2960T variant (also known as c.8879T>C), located in coding exon 61 of the RYR2 gene, results from a T to C substitution at nucleotide position 8879. The isoleucine at codon 2960 is replaced by threonine, an amino acid with similar properties. This amino acid position is well conserved in available vertebrate species. In addition, the in silico prediction for this alteration is inconclusive. Since supporting evidence is limited at this time, the clinical significance of this alteration remains unclear.

Mayo Clinic Laboratories, Mayo Clinic
Classification: Uncertain significance. Last evaluated: 2022-02-09. Review status: criteria provided, single submitter. Criteria: ACMG Guidelines, 2015. Collection method: clinical testing. Allele origin: germline. Observed: 1 variant allele.
Comment: PP3